The following is an entry in ClinVar:

NM_001385012.1(NBEA):c.3879T>C (p.Ser1293=)

Gene: NBEA (neurobeachin; plus strand). Cytogenetic location: 13q13.3.
Variant type: single nucleotide variant.
Coding change: c.3879T>C on transcript NM_001385012.1 (MANE Select); coding-DNA position 3879, T replaced by C.
Protein change: p.Ser1293=; no amino-acid change (serine 1293 retained).
Molecular consequence: synonymous variant.
Genome position (GRCh38, 1-based): chr13:35,161,767, T>C. VCF-style: chr13-35161767-T-C. GRCh37 (hg19) VCF-style: chr13-35735904-T-C.
Other names: c.3879T>C, p.Ser1293= (NM_001379245.1, NM_015678.5).
Identifiers: ClinVar variation 4875005 (VCV004875005.2).

ClinVar aggregate classification (germline): Likely benign (1 of 4 stars; one submission).

gnomAD v4.1: 2 of 1,611,248 alleles (0.00012%); highest among the groups gnomAD compares: Admixed American, 0.0017%; no homozygotes.

Submission:

CeGaT Center for Human Genetics Tuebingen
Classification: Likely benign. Last evaluated: 2026-08-01. Review status: criteria provided, single submitter. Criteria: CeGaT Center For Human Genetics Tuebingen Variant Classification Criteria Version 2. Collection method: clinical testing. Allele origin: germline. Affected: yes. Observed: 2 variant alleles.
Comment: NBEA: BP4, BP7